The following is an entry in ClinVar:

ClinVar aggregate classification (germline): Uncertain significance (1 of 4 stars; one submission).

Conditions:
Imerslund-Grasbeck syndrome. Also called: Megaloblastic anemia due to inborn errors of metabolism; PERNICIOUS ANEMIA, JUVENILE, DUE TO SELECTIVE INTESTINAL MALABSORPTION OF VITAMIN B12, WITH PROTEINURIA; ENTEROCYTE COBALAMIN MALABSORPTION; ENTEROCYTE INTRINSIC FACTOR RECEPTOR, DEFECT OF; Imerslund-Gräsbeck syndrome. Identifiers: Orphanet 35858, MedGen C4551825, MONDO:0009853.

Allele frequency attached by ClinVar (database versions not stated): gnomAD exomes below 0.00001; gnomAD 0.00001; TOPMed 0.00001.
gnomAD v4.1: 8 of 1,613,814 alleles (0.0005%); highest among the groups gnomAD compares: Non-Finnish European, 0.00059%; no homozygotes.

Submission:

Labcorp Genetics (formerly Invitae), Labcorp
Classification: Uncertain significance for Imerslund-Grasbeck syndrome. Last evaluated: 2022-07-06. Review status: criteria provided, single submitter. Criteria: Invitae Variant Classification Sherloc (09022015). Collection method: clinical testing. Allele origin: germline.
Comment: This variant has not been reported in the literature in individuals affected with CUBN-related conditions. In summary, the available evidence is currently insufficient to determine the role of this variant in disease. Therefore, it has been classified as a Variant of Uncertain Significance. Algorithms developed to predict the effect of missense changes on protein structure and function (SIFT, PolyPhen-2, Align-GVGD) all suggest that this variant is likely to be tolerated. This variant is not present in population databases (gnomAD no frequency). This sequence change replaces glutamine, which is neutral and polar, with arginine, which is basic and polar, at codon 1784 of the CUBN protein (p.Gln1784Arg).

NM_001081.4(CUBN):c.5351A>G (p.Gln1784Arg)

Gene: CUBN (cubilin; minus strand). Cytogenetic location: 10p13.
Variant type: single nucleotide variant.
Coding change: c.5351A>G on transcript NM_001081.4 (MANE Select); coding-DNA position 5351, A replaced by G.
Protein change: p.Gln1784Arg; replaces glutamine 1784 with arginine.
Molecular consequence: missense variant.
Genome position (GRCh38, 1-based): chr10:16,940,229, T>C on the plus strand (A>G on the coding strand, the complement: CUBN is on the minus strand). VCF-style: chr10-16940229-T-C. GRCh37 (hg19) VCF-style: chr10-16982228-T-C.
Other names: short protein forms Q1784R.
Identifiers: ClinVar variation 1964556 (VCV001964556.5), dbSNP rs1319231469, ClinGen allele CA376158280.